The following is an entry in ClinVar:

ClinVar aggregate classification (germline): Pathogenic (1 of 4 stars; one submission).

Submission:

GeneDx
Classification: Pathogenic. Last evaluated: 2018-07-05. Review status: criteria provided, single submitter. Criteria: GeneDx Variant Classification (06012015). Collection method: clinical testing. Allele origin: germline. Affected: yes.
Comment: The c.608_611dupGGGG variant in the KANSL1 gene has not been reported previously as a pathogenic variant nor as a benign variant, to our knowledge. The c.608_611dupGGGG variant causes a frameshift starting with codon Methionine 205, changes this amino acid to a Glycine residue, and creates a premature Stop codon at position 10 of the new reading frame, denoted p.M205GfsX10. This variant is predicted to cause loss of normal protein function either through protein truncation or nonsense-mediated mRNA decay. The c.608_611dupGGGG variant is not observed in large population cohorts (Lek et al., 2016). We interpret c.608_611dupGGGG as a pathogenic variant

NM_015443.4(KANSL1):c.608_611dup (p.Met205fs)

Gene: KANSL1 (KAT8 regulatory NSL complex subunit 1). Cytogenetic location: 17q21.31.
Variant type: Duplication.
Coding change: c.608_611dup on transcript NM_015443.4 (MANE Select); coding-DNA positions 608 to 611, 4 bases duplicated.
Protein change: p.Met205fs; shifts the reading frame from methionine 205.
Molecular consequence: frameshift variant.
Genome position: GRCh38 VCF-style: chr17-46171532-A-ACCCC. GRCh37 (hg19) VCF-style: chr17-44248898-A-ACCCC.
Other names: c.608_611dup, p.Met205fs (NM_001193465.2, NM_001193466.2, NM_001379198.1); short protein forms M205fs.
Identifiers: ClinVar variation 817727 (VCV000817727.1), dbSNP rs1304078301, ClinGen allele CA915950164.